The following is an entry in ClinVar:

NM_001164508.2(NEB):c.19214dup (p.Tyr6405Ter)

Gene: NEB (nebulin; minus strand). Cytogenetic location: 2q23.3.
Variant type: Duplication.
Coding change: c.19214dup on transcript NM_001164508.2 (MANE Select); coding-DNA position 19214, one base duplicated (A; older notation c.19214dupA).
Protein change: p.Tyr6405Ter; replaces tyrosine 6405 with a stop codon.
Molecular consequence: nonsense.
Genome position (GRCh38, 1-based): chr2:151,560,692, T duplicated on the plus strand (A on the coding strand, the reverse complement: NEB is on the minus strand). VCF-style (leftmost placement, unchanged base first): chr2-151560691-G-GT. GRCh37 (hg19) VCF-style: chr2-152417205-G-GT.
Other names: c.19214dup, p.Tyr6405Ter (NM_001164507.2, NM_001271208.2); c.14111dup, p.Tyr4704Ter (NM_004543.5); short protein forms Y4704*, Y6405*.
Identifiers: ClinVar variation 1902353 (VCV001902353.5), dbSNP rs2552189013, ClinGen allele CA2580063888.

ClinVar aggregate classification (germline): Pathogenic (1 of 4 stars; one submission).

Conditions:
Nemaline myopathy 2 (NEM2). Also called: Nemaline myopathy 2, autosomal recessive. Identifiers: MedGen C1850569, MONDO:0009725, OMIM 256030.

Submission:

Labcorp Genetics (formerly Invitae), Labcorp
Classification: Pathogenic for Nemaline myopathy 2. Last evaluated: 2022-09-23. Review status: criteria provided, single submitter. Criteria: Invitae Variant Classification Sherloc (09022015). Collection method: clinical testing. Allele origin: germline.
Comment: This variant is not present in population databases (gnomAD no frequency). This variant has not been reported in the literature in individuals affected with NEB-related conditions. For these reasons, this variant has been classified as Pathogenic. This sequence change creates a premature translational stop signal (p.Tyr6405*) in the NEB gene. It is expected to result in an absent or disrupted protein product. Loss-of-function variants in NEB are known to be pathogenic (PMID: 25205138).

Literature cited by the submitters: PubMed 25205138.